The following is an entry in ClinVar:

ClinVar aggregate classification (germline): Likely pathogenic (1 of 4 stars; one submission).

Conditions:
Dilated cardiomyopathy 1G (CMD1G). Identifiers: Orphanet 154, MedGen C1858763, MONDO:0011400, OMIM 604145.
Autosomal recessive limb-girdle muscular dystrophy type 2J (LGMDR10). Also called: Limb-girdle muscular dystrophy, type 2J; MUSCULAR DYSTROPHY, LIMB-GIRDLE, AUTOSOMAL RECESSIVE 10. Identifiers: Orphanet 140922, MedGen C1837342, MONDO:0012127, OMIM 608807.

Submission:

Labcorp Genetics (formerly Invitae), Labcorp
Classification: Likely pathogenic for Dilated cardiomyopathy 1G; Autosomal recessive limb-girdle muscular dystrophy type 2J. Last evaluated: 2024-12-04. Review status: criteria provided, single submitter. Criteria: Invitae Variant Classification Sherloc (09022015). Collection method: clinical testing. Allele origin: germline.
Comment: This sequence change creates a premature translational stop signal (p.Ser22370Cysfs*11) in the TTN gene. While this is not anticipated to result in nonsense mediated decay, it is expected to create a truncated TTN protein. This variant is not present in population databases (gnomAD no frequency). This premature translational stop signal has been observed in individual(s) with dilated cardiomyopathy (PMID: 33941202; internal data). This variant is also known as c.62184_62185delCT. ClinVar contains an entry for this variant (Variation ID: 2938079). This variant is located in the A band of TTN (PMID: 25589632). Truncating variants in this region are significantly overrepresented in patients affected with dilated cardiomyopathy (PMID: 25589632). Truncating variants in this region have also been reported in individuals affected with autosomal recessive centronuclear myopathy (PMID: 23975875). In summary, the currently available evidence indicates that the variant is pathogenic, but additional data are needed to prove that conclusively. Therefore, this variant has been classified as Likely Pathogenic.

Literature cited by the submitters: PubMed 33941202; PubMed 25589632; PubMed 23975875.

NM_001267550.2(TTN):c.67109_67110del (p.Ser22370fs)

Genes: TTN-AS1 (TTN antisense RNA 1; plus strand), TTN (titin; minus strand). Cytogenetic location: 2q31.2.
Variant type: Microsatellite.
Coding change: c.67109_67110del on transcript NM_001267550.2 (MANE Select); coding-DNA positions 67109 to 67110, 2 bases deleted (CT; older notation c.67109_67110delCT).
Protein change: p.Ser22370fs; shifts the reading frame from serine 22370.
Molecular consequence: frameshift variant.
Genome position (GRCh38, 1-based): chr2:178,580,177-178,580,178, AG deleted on the plus strand (CT on the coding strand, the reverse complement: TTN is on the minus strand); deleting any 2 consecutive bases within chr2:178,580,177-178,580,180 gives the same sequence; the c. name uses the placement nearest the transcript's 3' end. VCF-style (leftmost placement, unchanged base first): chr2-178580176-CAG-C. GRCh37 (hg19) VCF-style: chr2-179444903-CAG-C.
Other names: c.62186_62187del, p.Ser20729fs (NM_001256850.1); c.39914_39915del, p.Ser13305fs (NM_003319.4); c.59405_59406del, p.Ser19802fs (NM_133378.4); c.40289_40290del, p.Ser13430fs (NM_133432.3); c.40490_40491del, p.Ser13497fs (NM_133437.4); short protein forms S13305fs, S20729fs, S13497fs, S19802fs, S13430fs, S22370fs.
Identifiers: ClinVar variation 2938079 (VCV002938079.3), dbSNP rs2468915839, ClinGen allele CA2586965375.